The following is an entry in ClinVar:

ClinVar aggregate classification (germline): Uncertain significance (1 of 4 stars; one submission).

Conditions:
Aortic aneurysm, familial thoracic 7 (AAT7). Also called: AORTIC DISSECTION, FAMILIAL, WITH OR WITHOUT AORTIC ANEURYSM. Identifiers: MedGen C3151077, MONDO:0013418, OMIM 613780.

gnomAD v4.1: 1 of 1,614,098 alleles (0.000062%); highest among the groups gnomAD compares: Non-Finnish European, 0.000085%; no homozygotes.

Submission:

Labcorp Genetics (formerly Invitae), Labcorp
Classification: Uncertain significance for Aortic aneurysm, familial thoracic 7. Last evaluated: 2024-03-28. Review status: criteria provided, single submitter. Criteria: Invitae Variant Classification Sherloc (09022015). Collection method: clinical testing. Allele origin: germline.
Comment: This sequence change affects codon 813 of the MYLK mRNA. It is a 'silent' change, meaning that it does not change the encoded amino acid sequence of the MYLK protein. This variant is not present in population databases (gnomAD no frequency). This variant has not been reported in the literature in individuals affected with MYLK-related conditions. Algorithms developed to predict the effect of sequence changes on RNA splicing suggest that this variant may disrupt the consensus splice site. In summary, the available evidence is currently insufficient to determine the role of this variant in disease. Therefore, it has been classified as a Variant of Uncertain Significance.

NM_053025.4(MYLK):c.2439C>T (p.Asn813=)

Gene: MYLK (myosin light chain kinase; minus strand). Cytogenetic location: 3q21.1.
Variant type: single nucleotide variant.
Coding change: c.2439C>T on transcript NM_053025.4 (MANE Select); coding-DNA position 2439, C replaced by T.
Protein change: p.Asn813=; no amino-acid change (asparagine 813 retained).
Molecular consequence: synonymous variant.
Genome position (GRCh38, 1-based): chr3:123,701,461, G>A on the plus strand (C>T on the coding strand, the complement: MYLK is on the minus strand). VCF-style: chr3-123701461-G-A. GRCh37 (hg19) VCF-style: chr3-123420308-G-A.
Other names: c.1911C>T, p.Asn637= (NM_001321309.2); c.2232C>T, p.Asn744= (NM_053026.4, NM_053028.4); c.2439C>T, p.Asn813= (NM_053027.4).
Identifiers: ClinVar variation 3648083 (VCV003648083.2).